The following is an entry in ClinVar:

NM_031483.7(ITCH):c.2151T>A (p.Phe717Leu)

Gene: ITCH (itchy E3 ubiquitin protein ligase; plus strand). Cytogenetic location: 20q11.22.
Variant type: single nucleotide variant.
Coding change: c.2151T>A on transcript NM_031483.7 (MANE Select); coding-DNA position 2151, T replaced by A.
Protein change: p.Phe717Leu; replaces phenylalanine 717 with leucine.
Molecular consequence: missense variant.
Genome position (GRCh38, 1-based): chr20:34,489,323, T>A. VCF-style: chr20-34489323-T-A. GRCh37 (hg19) VCF-style: chr20-33077128-T-A.
Other names: c.2274T>A, p.Phe758Leu (NM_001257137.3, NM_001324197.2); c.1821T>A, p.Phe607Leu (NM_001257138.3); c.2151T>A, p.Phe717Leu (NM_001324198.2); short protein forms F717L, F607L, F758L.
Identifiers: ClinVar variation 2121955 (VCV002121955.3), dbSNP rs574083139, ClinGen allele CA313411861.

ClinVar aggregate classification (germline): Uncertain significance (1 of 4 stars; one submission).

Conditions:
Syndromic multisystem autoimmune disease due to ITCH deficiency. Also called: AUTOIMMUNE DISEASE, MULTISYSTEM, WITH FACIAL DYSMORPHISM. Identifiers: Orphanet 228426, MedGen C3150649, MONDO:0013245, OMIM 613385.

Allele frequency attached by ClinVar (database versions not stated): 1000 Genomes Project 0.00020; 1000 Genomes Project 30x 0.00031.
gnomAD v4.1: 1 of 1,611,492 alleles (0.000062%); highest among the groups gnomAD compares: Admixed American, 0.0017%; no homozygotes.

Submission:

Labcorp Genetics (formerly Invitae), Labcorp
Classification: Uncertain significance for Syndromic multisystem autoimmune disease due to ITCH deficiency. Last evaluated: 2022-04-06. Review status: criteria provided, single submitter. Criteria: Invitae Variant Classification Sherloc (09022015). Collection method: clinical testing. Allele origin: germline.
Comment: This sequence change replaces phenylalanine, which is neutral and non-polar, with leucine, which is neutral and non-polar, at codon 717 of the ITCH protein (p.Phe717Leu). In summary, the available evidence is currently insufficient to determine the role of this variant in disease. Therefore, it has been classified as a Variant of Uncertain Significance. Algorithms developed to predict the effect of missense changes on protein structure and function are either unavailable or do not agree on the potential impact of this missense change (SIFT: "Not Available"; PolyPhen-2: "Probably Damaging"; Align-GVGD: "Not Available"). This variant has not been reported in the literature in individuals affected with ITCH-related conditions. This variant is not present in population databases (gnomAD no frequency).